The following is an entry in ClinVar:

NM_004519.4(KCNQ3):c.1415T>A (p.Phe472Tyr)

Gene: KCNQ3 (potassium voltage-gated channel subfamily Q member 3; minus strand). Cytogenetic location: 8q24.22.
Variant type: single nucleotide variant.
Coding change: c.1415T>A on transcript NM_004519.4 (MANE Select); coding-DNA position 1415, T replaced by A.
Protein change: p.Phe472Tyr; replaces phenylalanine 472 with tyrosine.
Molecular consequence: missense variant.
Genome position (GRCh38, 1-based): chr8:132,141,179, A>T on the plus strand (T>A on the coding strand, the complement: KCNQ3 is on the minus strand). VCF-style: chr8-132141179-A-T. GRCh37 (hg19) VCF-style: chr8-133153426-A-T.
Other names: c.1055T>A, p.Phe352Tyr (NM_001204824.2); short protein forms F352Y, F472Y.
Identifiers: ClinVar variation 3367186 (VCV003367186.1).
Genomic context (GRCh38, chr8:132,141,179, plus strand): 5'-AAGGCATTACCTTCAGAACTCTGCCAGAAAGCGTAGGCTTTCATGCGGAAGGCCGTGCGG[A>T]AACGCTCTTTATTGTTTAAGCCAACAGGCTTTGGTTCTTTAGAAGGACTTTCTTCTATGG-3'
Protein context (NP_004510.1, residues 462-482): KPVGLNNKER[Phe472Tyr]RTAFRMKAYA

ClinVar aggregate classification (germline): Uncertain significance (1 of 4 stars; one submission).

Conditions:
Seizures, benign familial neonatal, 2. Also called: Benign Neonatal Epilepsy 2; CONVULSIONS, BENIGN FAMILIAL NEONATAL, 2; KCNQ3-Related Self-Limited Familial Neonatal Epilepsy (SLFNE); KCNQ3-Related Benign Familial Neonatal Epilepsy; Seizures, benign neonatal, 2. Identifiers: Orphanet 1949, MedGen C1852581, MONDO:0007366, OMIM 121201.

Submission:

Diagnostics Services (NGS), CSIR - Centre For Cellular And Molecular Biology
Classification: Uncertain significance for Seizures, benign familial neonatal, 2. Last evaluated: 2024-10-18. Review status: criteria provided, single submitter. Criteria: ACMG Guidelines, 2015. Collection method: clinical testing. Allele origin: unknown. Affected: yes. Observed: 1 variant allele, 1 heterozygote.
Comment: The c.1415T>A variant is not present in publicly available population databases like 1000 Genomes, EVS, ExAC, gnomAD, Indian Exome Database or our in-house exome database. This variant has neither been published in literature in individuals affected with KCNQ3-related conditions nor reported to the clinical databases like ClinVar, Human Genome Mutation Database (HGMD) or OMIM, in any affected individuals. In-silico pathogenicity prediction programs like PolyPhen-2, MutationTaster2, CADD etc predicted this variant to be likely deleterious, however these predictions were not confirmed by published functional studies.